The following is an entry in ClinVar:

ClinVar aggregate classification (germline): Uncertain significance (1 of 4 stars; one submission).

Allele frequency attached by ClinVar (database versions not stated): gnomAD exomes 0.00001; ExAC 0.00002; ESP Exome Variant Server 0.00012.
gnomAD v4.1: 18 of 1,613,984 alleles (0.0011%); highest among the groups gnomAD compares: African/African-American, 0.012%; no homozygotes.

Submission:

Labcorp Genetics (formerly Invitae), Labcorp
Classification: Uncertain significance. Last evaluated: 2022-06-27. Review status: criteria provided, single submitter. Criteria: Invitae Variant Classification Sherloc (09022015). Collection method: clinical testing. Allele origin: germline.
Comment: This variant is present in population databases (rs374148426, gnomAD 0.02%). This sequence change replaces serine, which is neutral and polar, with leucine, which is neutral and non-polar, at codon 318 of the VARS2 protein (p.Ser318Leu). This variant has not been reported in the literature in individuals affected with VARS2-related conditions. In summary, the available evidence is currently insufficient to determine the role of this variant in disease. Therefore, it has been classified as a Variant of Uncertain Significance. Algorithms developed to predict the effect of missense changes on protein structure and function (SIFT, PolyPhen-2, Align-GVGD) all suggest that this variant is likely to be disruptive.

NM_020442.6(VARS2):c.863C>T (p.Ser288Leu)

Gene: VARS2 (valyl-tRNA synthetase 2, mitochondrial; plus strand). Cytogenetic location: 6p21.33.
Variant type: single nucleotide variant.
Coding change: c.863C>T on transcript NM_020442.6 (MANE Select); coding-DNA position 863, C replaced by T.
Protein change: p.Ser288Leu; replaces serine 288 with leucine.
Molecular consequence: missense variant.
Genome position (GRCh38, 1-based): chr6:30,917,214, C>T. VCF-style: chr6-30917214-C-T. GRCh37 (hg19) VCF-style: chr6-30884991-C-T.
Other names: c.443C>T, p.Ser148Leu (NM_001167733.3); c.953C>T, p.Ser318Leu (NM_001167734.2); short protein forms S148L, S288L, S318L.
Identifiers: ClinVar variation 1357564 (VCV001357564.6), dbSNP rs374148426, ClinGen allele CA3705746.